The following is an entry in ClinVar:

NM_007103.4(NDUFV1):c.509A>G (p.Gln170Arg)

Gene: NDUFV1 (NADH:ubiquinone oxidoreductase core subunit V1; plus strand). Cytogenetic location: 11q13.2.
Variant type: single nucleotide variant.
Coding change: c.509A>G on transcript NM_007103.4 (MANE Select); coding-DNA position 509, A replaced by G.
Protein change: p.Gln170Arg; replaces glutamine 170 with arginine.
Molecular consequence: missense variant.
Genome position (GRCh38, 1-based): chr11:67,609,634, A>G. VCF-style: chr11-67609634-A-G. GRCh37 (hg19) VCF-style: chr11-67377105-A-G.
Other names: c.482A>G, p.Gln161Arg (NM_001166102.2); short protein forms Q170R, Q161R.
Identifiers: ClinVar variation 2038046 (VCV002038046.4), dbSNP rs952508681, ClinGen allele CA381536229.

ClinVar aggregate classification (germline): Uncertain significance (1 of 4 stars; one submission).

Submission:

Labcorp Genetics (formerly Invitae), Labcorp
Classification: Uncertain significance. Last evaluated: 2022-08-23. Review status: criteria provided, single submitter. Criteria: Invitae Variant Classification Sherloc (09022015). Collection method: clinical testing. Allele origin: germline.
Comment: In summary, the available evidence is currently insufficient to determine the role of this variant in disease. Therefore, it has been classified as a Variant of Uncertain Significance. Algorithms developed to predict the effect of sequence changes on RNA splicing suggest that this variant may disrupt the consensus splice site. This sequence change replaces glutamine, which is neutral and polar, with arginine, which is basic and polar, at codon 170 of the NDUFV1 protein (p.Gln170Arg). This variant is not present in population databases (gnomAD no frequency). This variant has not been reported in the literature in individuals affected with NDUFV1-related conditions. Algorithms developed to predict the effect of missense changes on protein structure and function are either unavailable or do not agree on the potential impact of this missense change (SIFT: "Deleterious"; PolyPhen-2: "Benign"; Align-GVGD: "Class C0").